The following is an entry in ClinVar:

ClinVar aggregate classification (germline): Conflicting classifications of pathogenicity. Review status: criteria provided, conflicting classifications (1 of 4 stars). 8 submissions from 8 submitters: Uncertain significance (1); Benign (2); Likely benign (5). Last evaluated 2026-07-01.

Conditions:
RYR1-related disorder. Also called: RYR1-related disorders; RYR1-related condition. Identifiers: MedGen CN239331.
Malignant hyperthermia, susceptibility to, 1 (MHS1). Also called: Malignant hyperthermia suceptibility 1; Anesthesia related hyperthermia; Malignant hyperpyrexia; Fulminating hyperpyrexia; Pharmacogenic myopathy; RYR1-Related Malignant Hyperthermia Susceptibility. Identifiers: Orphanet 423, MedGen C2930980, MONDO:0007783, OMIM 145600.

Allele frequency attached by ClinVar (database versions not stated): TOPMed 0.00011; 1000 Genomes Project 30x 0.00016; gnomAD 0.00018 and 0.00019; 1000 Genomes Project 0.00020; ExAC 0.00031.
gnomAD v4.1: 255 of 1,614,008 alleles (0.016%); highest among the groups gnomAD compares: East Asian, 0.047%; no homozygotes.

Submissions (8):

CeGaT Center for Human Genetics Tuebingen
Classification: Likely benign. Last evaluated: 2026-07-01. Review status: criteria provided, single submitter. Criteria: CeGaT Center For Human Genetics Tuebingen Variant Classification Criteria Version 2. Collection method: clinical testing. Allele origin: germline. Affected: yes. Observed: 1 variant allele.
Comment: RYR1: BP4, BP7

Labcorp Genetics (formerly Invitae), Labcorp
Classification: Likely benign for RYR1-related disorder. Last evaluated: 2025-10-02. Review status: criteria provided, single submitter. Criteria: Invitae Variant Classification Sherloc (09022015). Collection method: clinical testing. Allele origin: germline.

Laboratory of Genetics, Children's Clinical University Hospital Latvia
Classification: Likely benign. Last evaluated: 2025-02-16. Review status: criteria provided, single submitter. Criteria: ACMG Guidelines, 2015. Collection method: clinical testing. Allele origin: germline. Affected: yes.

Blueprint Genetics
Classification: Likely benign. Last evaluated: 2024-09-10. Review status: criteria provided, single submitter. Criteria: ACMG Guidelines, 2015. Collection method: clinical testing. Allele origin: germline.

All of Us Research Program, National Institutes of Health
Classification: Benign for Malignant hyperthermia, susceptibility to, 1. Last evaluated: 2024-02-05. Review status: criteria provided, single submitter. Criteria: ACMG Guidelines, 2015. Collection method: clinical testing. Allele origin: germline. Inheritance: Autosomal dominant inheritance. Observed: 33 variant alleles, 33 heterozygotes.
Comment: This study involves interpretation of variants in research participants for the purpose of population health screening. Participant phenotype was not available at the time of variant classification. Additional details can be found in publication PMID: 35346344, PMCID: PMC8962531

Color Diagnostics, LLC DBA Color Health
Classification: Benign for Malignant hyperthermia, susceptibility to, 1. Last evaluated: 2022-10-03. Review status: criteria provided, single submitter. Criteria: ACMG Guidelines, 2015. Collection method: clinical testing. Allele origin: germline.

GeneDx
Classification: Likely benign. Last evaluated: 2018-07-16. Review status: criteria provided, single submitter. Criteria: GeneDx Variant Classification Process June 2021. Collection method: clinical testing. Allele origin: germline. Affected: yes.

Eurofins Ntd Llc (ga)
Classification: Uncertain significance. Last evaluated: 2015-07-24. Review status: criteria provided, single submitter. Criteria: EGL Classification Definitions 2015. Collection method: clinical testing. Allele origin: germline. Observed: 1 variant allele, 1 heterozygote.

NM_000540.3(RYR1):c.8733C>A (p.Leu2911=)

Gene: RYR1 (ryanodine receptor 1; plus strand). Cytogenetic location: 19q13.2.
Variant type: single nucleotide variant.
Coding change: c.8733C>A on transcript NM_000540.3 (MANE Select); coding-DNA position 8733, C replaced by A.
Protein change: p.Leu2911=; no amino-acid change (leucine 2911 retained).
Molecular consequence: synonymous variant.
Genome position (GRCh38, 1-based): chr19:38,506,869, C>A. VCF-style: chr19-38506869-C-A. GRCh37 (hg19) VCF-style: chr19-38997509-C-A.
Other names: c.8733C>A, p.Leu2911= (NM_001042723.2).
Identifiers: ClinVar variation 281589 (VCV000281589.24), dbSNP rs200427576, ClinGen allele CA072663.